The following is an entry in ClinVar:

ClinVar aggregate classification (germline): Uncertain significance (1 of 4 stars; one submission).

Conditions:
Congenital muscular hypertrophy-cerebral syndrome (CDLS2). Also called: Cornelia de Lange syndrome 2; SMC1A-Related Cornelia de Lange Syndrome. Identifiers: Orphanet 199, MedGen C1802395, MONDO:0010370, OMIM 300590.

Submission:

Labcorp Genetics (formerly Invitae), Labcorp
Classification: Uncertain significance for Congenital muscular hypertrophy-cerebral syndrome. Last evaluated: 2020-06-01. Review status: criteria provided, single submitter. Criteria: Invitae Variant Classification Sherloc (09022015). Collection method: clinical testing. Allele origin: germline.
Comment: In summary, the available evidence is currently insufficient to determine the role of this variant in disease. Therefore, it has been classified as a Variant of Uncertain Significance. This variant has not been reported in the literature in individuals with SMC1A-related conditions. This variant results in a copy number gain of the genomic region encompassing exon(s) 1-19 of the SMC1A gene, which includes the initiator codon. The 5' end of this event is unknown as it extends beyond the assayed region for this gene and therefore may encompass additional genes. The 3' boundary is likely confined to intron 19 of the SMC1A gene. As the precise location of this event is unknown, it may be in tandem or it may be located elsewhere in the genome.

NC_000023.10:g.(?_53421678)_(53449569_?)dup

Gene: SMC1A (structural maintenance of chromosomes 1A; minus strand). Cytogenetic location: Xp11.22.
Variant type: Duplication.
Identifiers: ClinVar variation 1011314 (VCV001011314.5).